The following is an entry in ClinVar:

ClinVar aggregate classification (germline): Likely pathogenic. Review status: criteria provided, multiple submitters, no conflicts (2 of 4 stars). 4 submissions from 4 submitters: Likely pathogenic (3). 1 of the submissions does not count toward it. Last evaluated 2025-04-02.

Conditions:
Medulloblastoma (MDB). Also called: MEDULLOBLASTOMA PREDISPOSITION SYNDROME; Medulloblastoma, somatic. Identifiers: Orphanet 616, MedGen C0025149, MeSH D008527, MONDO:0007959, OMIM 155255, HP:0002885.
Familial dysautonomia. Also called: FD; HSAN III. Identifiers: Orphanet 1764, MedGen C0013364, MONDO:0009131, OMIM 223900. Disease mechanism: loss of function.

Allele frequency attached by ClinVar (database versions not stated): gnomAD 0.00001; ExAC 0.00002.
gnomAD v4.1: 10 of 1,612,050 alleles (0.00062%); highest among the groups gnomAD compares: South Asian, 0.011%; no homozygotes.

Submissions (4):

Natera, Inc.
Classification: Likely pathogenic for Familial dysautonomia. Last evaluated: 2025-04-02. Review status: criteria provided, single submitter. Criteria: Natera Variant Classification Schema (03/2026). Collection method: clinical testing. Allele origin: germline.
Comment: The c.304-2A>G variant in ELP1 is a canonical splice acceptor site variant predicted to affect pre-mRNA splicing, which may result in an abnormal transcript and altered protein product. This variant is expected to result in nonsense mediated decay, truncation, or a dysfunctional protein product. This variant is rare in the general population with a frequency below the threshold expected for the associated phenotype(s). Given the available evidence, this variant is classified as Likely Pathogenic.

Labcorp Genetics (formerly Invitae), Labcorp
Classification: Likely pathogenic. Last evaluated: 2022-11-13. Review status: criteria provided, single submitter. Criteria: Invitae Variant Classification Sherloc (09022015). Collection method: clinical testing. Allele origin: germline.
Comment: This sequence change affects an acceptor splice site in intron 3 of the ELP1 gene. It is expected to disrupt RNA splicing. Variants that disrupt the donor or acceptor splice site typically lead to a loss of protein function (PMID: 16199547), and loss-of-function variants in ELP1 are known to be pathogenic (PMID: 18303054, 24173031). This variant is present in population databases (rs757972943, gnomAD 0.02%). This variant has not been reported in the literature in individuals affected with ELP1-related conditions. ClinVar contains an entry for this variant (Variation ID: 552242). Algorithms developed to predict the effect of sequence changes on RNA splicing suggest that this variant may disrupt the consensus splice site. In summary, the currently available evidence indicates that the variant is pathogenic, but additional data are needed to prove that conclusively. Therefore, this variant has been classified as Likely Pathogenic.

Fulgent Genetics
Classification: Likely pathogenic for Medulloblastoma; Familial dysautonomia. Last evaluated: 2022-03-14. Review status: criteria provided, single submitter. Criteria: ACMG Guidelines, 2015. Collection method: clinical testing. Allele origin: unknown.

Counsyl
Classification: Likely pathogenic for Familial dysautonomia. Last evaluated: 2017-05-31. Review status: no assertion criteria provided. Collection method: clinical testing. Allele origin: unknown. Not counted in ClinVar's aggregate classification.

Literature cited by the submitters: PubMed 16199547 (cited by Labcorp Genetics (formerly Invitae), Labcorp); PubMed 18303054 (cited by Labcorp Genetics (formerly Invitae), Labcorp); PubMed 24173031 (cited by Labcorp Genetics (formerly Invitae), Labcorp).

NM_003640.5(ELP1):c.304-2A>G

Gene: ELP1 (elongator acetyltransferase complex subunit 1; minus strand). Cytogenetic location: 9q31.3.
Variant type: single nucleotide variant.
Coding change: c.304-2A>G on transcript NM_003640.5 (MANE Select); the canonical splice acceptor site of the intron before coding-DNA position 304, A replaced by G.
Molecular consequence: splice acceptor variant.
Genome position (GRCh38, 1-based): chr9:108,927,455, T>C on the plus strand (A>G on the coding strand, the complement: ELP1 is on the minus strand). VCF-style: chr9-108927455-T-C. GRCh37 (hg19) VCF-style: chr9-111689735-T-C.
Other names: c.-39-2A>G (NM_001318360.2); c.-556-2A>G (NM_001330749.2); c.304-2A>G (NM_003640.4).
Identifiers: ClinVar variation 552242 (VCV000552242.15), dbSNP rs757972943, ClinGen allele CA5175396.